The following continues an entry in ClinVar:

NM_000540.3(RYR1):c.6502G>A (p.Val2168Met)

Gene: RYR1. ClinVar aggregate classification (germline): Pathogenic; drug response. Pathogenic (1).

Submissions 11 to 20 of 20:

Color Diagnostics, LLC DBA Color Health
Classification: Pathogenic for Malignant hyperthermia, susceptibility to, 1. Last evaluated: 2024-08-06. Review status: criteria provided, single submitter. Criteria: ACMG Guidelines, 2015. Collection method: clinical testing. Allele origin: germline. Not counted in ClinVar's aggregate classification.
Comment: This missense variant replaces valine with methionine at codon 2168 of the RYR1 protein. Computational prediction suggests that this variant may have deleterious impact on protein structure and function. This variant is located in a region of RYR1 considered to be a hotspot for pathogenic variants that contribute to malignant hyperthermia susceptibility (PMID: 21118704). A functional study in human myotubes from carrier individuals has shown the mutant protein to exhibit an increased sensitivity to RYR1 agonists (PMID:15299003). This variant has been reported in over thirty individuals affected with malignant hyperthermia susceptibility (PMID: 11575529, 11668625, 12434264, 15299003, 17710899, 20681998, 24433488, 30236257, 11575529, 15299003, 12434264, 30236257). This variant has been reported to segregate with disease in over twenty relatives from multiple different families (PMID: 11575529, 15299003, 12434264, 30236257). This variant has not been identified in the general population by the Genome Aggregation Database (gnomAD). Based on the available evidence, this variant is classified as Pathogenic.

Women's Health and Genetics/Laboratory Corporation of America, LabCorp
Classification: Pathogenic for Malignant hyperthermia of anesthesia. Last evaluated: 2023-10-04. Review status: criteria provided, single submitter. Criteria: LabCorp Variant Classification Summary - May 2015. Collection method: clinical testing. Allele origin: germline. Not counted in ClinVar's aggregate classification.
Comment: Variant summary: RYR1 c.6502G>A (p.Val2168Met) results in a conservative amino acid change located in the RIH domain (IPR000699) of the encoded protein sequence. Four of five in-silico tools predict a damaging effect of the variant on protein function. The variant was absent in 250298 control chromosomes. c.6502G>A has been reported in the literature in multiple individuals affected with autosomal dominant Malignant Hyperthermia Susceptibility with evidence of familial co-segregation (e.g. Manning_1998, Girard_2001). These data indicate that the variant is very likely to be associated with disease. One publication reports experimental evidence showing altered calcium-induced calcium release in vitro, however, without evidence to confirm variant effect in skeletal muscle (e.g. Murayama_2016). The following publications have been ascertained in the context of this evaluation (PMID: 11673462, 9497245, 27586648). Five submitters have cited clinical-significance assessments for this variant to ClinVar after 2014. All submitters classified the variant as pathogenic. Based on the evidence outlined above, the variant was classified as pathogenic.

Blueprint Genetics
Classification: Pathogenic for RYR1-related disorders. Last evaluated: 2021-12-17. Review status: criteria provided, single submitter. Criteria: ACMG Guidelines, 2015. Collection method: clinical testing. Allele origin: germline. Affected: yes. Observed: 1 variant allele. Not counted in ClinVar's aggregate classification.

Laboratory of Medical Genetics, National & Kapodistrian University of Athens
Classification: Pathogenic for Central core myopathy. Last evaluated: 2021-10-01. Review status: criteria provided, single submitter. Criteria: ACMG Guidelines, 2015. Collection method: clinical testing. Allele origin: unknown. Affected: yes. Not counted in ClinVar's aggregate classification.
Comment: PM2, PP2, PP3, PP5

Laboratory for Molecular Medicine, Mass General Brigham Personalized Medicine
Classification: Pathogenic for Malignant hyperthermia of anesthesia. Last evaluated: 2020-06-11. Review status: criteria provided, single submitter. Criteria: ACMG Guidelines, 2015. Collection method: clinical testing. Allele origin: germline. Not counted in ClinVar's aggregate classification.
Comment: The p.Val2168Met variant in RYR1 has been previously reported in >25 individuals with malignant hyperthermia susceptibility (MHS), segregated in >10 affected family members, and was absent from large population studies (PMID, 19648156, 25466363, 11668625, 9497245, 30236257, 8010475, 29635721). In vitro functional studies showed that this variant results in an increased sensitivity to caffeine, as well as additional findings that indicate that this variant would result in a MHS phenotype (27586648, 12732639). Computational prediction tools and conservation analyses also suggest that this variant may impact the protein. In summary, this variant meets criteria to be classified as pathogenic for autosomal dominant malignant hyperthermia susceptibility. ACMG/AMP Criteria applied: PS4, PP1_Strong, PM2, PP3, PS3_Supporting.

Institute of Human Genetics Munich, TUM University Hospital
Classification: Pathogenic for Congenital multicore myopathy with external ophthalmoplegia. Last evaluated: 2017-11-15. Review status: criteria provided, single submitter. Criteria: Classification criteria August 2017. Collection method: clinical testing. Allele origin: maternal. Inheritance: Autosomal recessive inheritance. Affected: yes. Observed: 1 compound heterozygote. Not counted in ClinVar's aggregate classification.

PreventionGenetics, part of Exact Sciences
Classification: Pathogenic. Last evaluated: 2017-09-27. Review status: criteria provided, single submitter. Criteria: ACMG Guidelines, 2015. Collection method: clinical testing. Allele origin: germline. Not counted in ClinVar's aggregate classification.

OMIM
Classification: risk factor for MALIGNANT HYPERTHERMIA, SUSCEPTIBILITY TO, 1. Last evaluated: 2001-10-15. Review status: no assertion criteria provided. Collection method: literature only. Allele origin: germline. Not counted in ClinVar's aggregate classification.

OMIM
Classification: Pathogenic for CONGENITAL MYOPATHY 1A, AUTOSOMAL DOMINANT. Last evaluated: 2001-10-15. Review status: no assertion criteria provided. Collection method: literature only. Allele origin: germline. Not counted in ClinVar's aggregate classification.

RYR1 database
No classification provided. Review status: no classification provided. Collection method: not provided. Allele origin: unknown. Not counted in ClinVar's aggregate classification.

Literature cited by the submitters: PubMed 10484775 (cited by ClinPGx); PubMed 11575529 (cited by ClinPGx and Color Diagnostics, LLC DBA Color Health); PubMed 11668625 (cited by 4 submitters); PubMed 12059893 (cited by ClinPGx); PubMed 12411786 (cited by ClinPGx); PubMed 12709367 (cited by ClinPGx); PubMed 15448513 (cited by ClinPGx); PubMed 16163667 (cited by ClinPGx); PubMed 16244001 (cited by ClinPGx); PubMed 16917943 (cited by ClinPGx); PubMed 17710899 (cited by ClinPGx and Color Diagnostics, LLC DBA Color Health); PubMed 19191333 (cited by ClinPGx); PubMed 19648156 (cited by 3 submitters); PubMed 20681998 (cited by ClinPGx and Color Diagnostics, LLC DBA Color Health); PubMed 21455645 (cited by ClinPGx); PubMed 23558838 (cited by ClinPGx); PubMed 24433488 (cited by ClinPGx and Color Diagnostics, LLC DBA Color Health); PubMed 25466363 (cited by 3 submitters); PubMed 25735680 (cited by ClinPGx); PubMed 25989378 (cited by ClinPGx); PubMed 9497245 (cited by 5 submitters); PubMed 12434264 (cited by Color Diagnostics, LLC DBA Color Health); PubMed 15299003 (cited by Color Diagnostics, LLC DBA Color Health); PubMed 21118704 (cited by Color Diagnostics, LLC DBA Color Health); PubMed 30236257 (cited by Color Diagnostics, LLC DBA Color Health and Laboratory for Molecular Medicine, Mass General Brigham Personalized Medicine); PubMed 27586648 (cited by Women's Health and Genetics/Laboratory Corporation of America, LabCorp and Laboratory for Molecular Medicine, Mass General Brigham Personalized Medicine); PubMed 11673462 (cited by Women's Health and Genetics/Laboratory Corporation of America, LabCorp); PubMed 34008892 (cited by Laboratory of Medical Genetics, National & Kapodistrian University of Athens); PubMed 12732639 (cited by Laboratory for Molecular Medicine, Mass General Brigham Personalized Medicine); PubMed 8010475 (cited by Laboratory for Molecular Medicine, Mass General Brigham Personalized Medicine); PubMed 29635721 (cited by Laboratory for Molecular Medicine, Mass General Brigham Personalized Medicine); PubMed 11709545 (cited by OMIM).